The following is an entry in ClinVar:

NM_004364.5(CEBPA):c.34C>T (p.Arg12Trp)

Genes: CEBPA (CCAAT enhancer binding protein alpha; minus strand), LOC130064183 (ATAC-STARR-seq lymphoblastoid silent region 10495; plus strand). Cytogenetic location: 19q13.11.
Variant type: single nucleotide variant.
Coding change: c.34C>T on transcript NM_004364.5 (MANE Select); coding-DNA position 34, C replaced by T.
Protein change: p.Arg12Trp; replaces arginine 12 with tryptophan.
Molecular consequence: missense variant. On other transcripts: 5 prime UTR variant (2).
Genome position (GRCh38, 1-based): chr19:33,302,381, G>A on the plus strand (C>T on the coding strand, the complement: CEBPA is on the minus strand). VCF-style: chr19-33302381-G-A. GRCh37 (hg19) VCF-style: chr19-33793287-G-A.
Other names: c.-324C>T (NM_001285829.2); c.139C>T, p.Arg47Trp (NM_001287424.2); c.-9C>T (NM_001287435.2); short protein forms R47W, R12W.
Identifiers: ClinVar variation 5034256 (VCV005034256.1).
Genomic context (GRCh38, chr19:33,302,381, plus strand): 5'-CGAAGGCGGCGCTGCTGGGCGCGTGCGGGGGGCTCTGCAGGTGGCTGCTCATCGGGGGCC[G>A]CGGCTCCGCCTCGTAGAAGTCGGCCGACTCCATGGGGGAGTTAGAGTTCTCCCGGCATGG-3'
Protein context (NP_004355.2, residues 2-22): ESADFYEAEP[Arg12Trp]PPMSSHLQSP

ClinVar aggregate classification (germline): Uncertain significance (1 of 4 stars; one submission).

Conditions:
Inborn genetic diseases. Identifiers: MedGen C0950123, MeSH D030342.

Submission:

Ambry Genetics
Classification: Uncertain significance for Inborn genetic diseases. Last evaluated: 2026-06-20. Review status: criteria provided, single submitter. Criteria: Ambry Variant Classification Scheme 2023. Collection method: clinical testing. Allele origin: germline.
Comment: The p.R12W variant (also known as c.34C>T), located in coding exon 1 of the CEBPA gene, results from a C to T substitution at nucleotide position 34. The arginine at codon 12 is replaced by tryptophan, an amino acid with dissimilar properties. This amino acid position is conserved. In addition, the in silico prediction for this alteration is inconclusive. Based on the available evidence, the clinical significance of this variant remains unclear.